The following is an entry in ClinVar:

ClinVar aggregate classification (germline): Uncertain significance. Review status: criteria provided, multiple submitters, no conflicts (2 of 4 stars). 5 submissions from 5 submitters: Uncertain significance (5). Last evaluated 2025-12-05.

Conditions:
Inborn genetic diseases. Identifiers: MedGen C0950123, MeSH D030342.
Pulmonary fibrosis and/or bone marrow failure, Telomere-related, 3. Also called: PULMONARY FIBROSIS AND/OR BONE MARROW FAILURE SYNDROME, TELOMERE-RELATED, 3. Identifiers: Orphanet 2032, MedGen C4225346, MONDO:0014613, OMIM 616373.
Dyskeratosis congenita, autosomal recessive 5 (DKCB5). Identifiers: MedGen C3554656, MONDO:0014076, OMIM 615190.
Dyskeratosis congenita. Identifiers: Orphanet 1775, MedGen C0265965, MONDO:0015780.

Allele frequency attached by ClinVar (database versions not stated): gnomAD exomes below 0.00001; TOPMed 0.00002.
gnomAD v4.1: 3 of 1,609,790 alleles (0.00019%); highest among the groups gnomAD compares: African/African-American, 0.0013%; no homozygotes.

Submissions (5):

Labcorp Genetics (formerly Invitae), Labcorp
Classification: Uncertain significance for Dyskeratosis congenita, autosomal recessive 5; Pulmonary fibrosis and/or bone marrow failure, Telomere-related, 3. Last evaluated: 2025-12-05. Review status: criteria provided, single submitter. Criteria: Invitae Variant Classification Sherloc (09022015). Collection method: clinical testing. Allele origin: germline.
Comment: This sequence change replaces lysine, which is basic and polar, with glutamic acid, which is acidic and polar, at codon 595 of the RTEL1 protein (p.Lys595Glu). This variant is present in population databases (no rsID available, gnomAD 0.0009%). This variant has not been reported in the literature in individuals affected with RTEL1-related conditions. ClinVar contains an entry for this variant (Variation ID: 1692612). An algorithm developed to predict the effect of missense changes on protein structure and function (PolyPhen-2) suggests that this variant is likely to be disruptive. In summary, the available evidence is currently insufficient to determine the role of this variant in disease. Therefore, it has been classified as a Variant of Uncertain Significance.

Women's Health and Genetics/Laboratory Corporation of America, LabCorp
Classification: Uncertain significance. Last evaluated: 2025-10-29. Review status: criteria provided, single submitter. Criteria: LabCorp Variant Classification Summary - May 2015. Collection method: clinical testing. Allele origin: germline.
Comment: Variant summary: RTEL1 c.1855A>G (p.Lys619Glu) results in a conservative amino acid change in the encoded protein sequence. Algorithms developed to predict the effect of missense changes on protein structure and function are either unavailable or do not agree on the potential impact of this missense change. The variant allele was found at a frequency of 4.1e-06 in 242584 control chromosomes. The available data on variant occurrences in the general population are insufficient to allow any conclusion about variant significance. To our knowledge, no occurrence of c.1855A>G in individuals affected with RTEL1-related conditions and no experimental evidence demonstrating its impact on protein function have been reported. ClinVar contains an entry for this variant (Variation ID: 1692612). Based on the evidence outlined above, the variant was classified as uncertain significance.

Ambry Genetics
Classification: Uncertain significance for Inborn genetic diseases. Last evaluated: 2025-05-16. Review status: criteria provided, single submitter. Criteria: Ambry Variant Classification Scheme 2023. Collection method: clinical testing. Allele origin: germline.
Comment: The p.K595E variant (also known as c.1783A>G), located in coding exon 20 of the RTEL1 gene, results from an A to G substitution at nucleotide position 1783. The lysine at codon 595 is replaced by glutamic acid, an amino acid with similar properties. This amino acid position is conserved. In addition, the in silico prediction for this alteration is inconclusive. Based on the available evidence, the clinical significance of this variant remains unclear.

GeneDx
Classification: Uncertain significance. Last evaluated: 2025-03-28. Review status: criteria provided, single submitter. Criteria: GeneDx Variant Classification Process June 2021. Collection method: clinical testing. Allele origin: germline. Affected: yes.
Comment: Not observed at significant frequency in large population cohorts (gnomAD); In silico analysis supports that this missense variant has a deleterious effect on protein structure/function; Has not been previously published as pathogenic or benign to our knowledge

Sema4
Classification: Uncertain significance for Dyskeratosis congenita. Last evaluated: 2022-03-18. Review status: criteria provided, single submitter. Criteria: Sema4 Curation Guidelines. Collection method: curation. Allele origin: germline.
Comment: The RTEL1 c.1783A>G (p.K595E) variant has not been reported in the literature to our knowledge. It was observed in 1/109470 chromosomes of the Non-Finnish European subpopulation in the large and broad cohorts of the Genome Aggregation Database (PMID: 32461654). The variant has not been reported in ClinVar. Functional studies have not been performed, and in silico predictions of the variant's effect on protein function are inconclusive. The evidence is insufficient to meet ACMG/AMP criteria for classifying the variant as benign or pathogenic. Thus, the clinical significance of this variant is currently uncertain.

NM_001283009.2(RTEL1):c.1783A>G (p.Lys595Glu)

Genes: RTEL1-TNFRSF6B (RTEL1-TNFRSF6B readthrough (NMD candidate); plus strand), RTEL1 (regulator of telomere elongation helicase 1; plus strand). Cytogenetic location: 20q13.33.
Variant type: single nucleotide variant.
Coding change: c.1783A>G on transcript NM_001283009.2 (MANE Select); coding-DNA position 1783, A replaced by G.
Protein change: p.Lys595Glu; replaces lysine 595 with glutamic acid.
Molecular consequence: missense variant. On other transcripts: non-coding transcript variant (1).
Genome position (GRCh38, 1-based): chr20:63,688,588, A>G. VCF-style: chr20-63688588-A-G. GRCh37 (hg19) VCF-style: chr20-62319941-A-G.
Other names: c.1114A>G, p.Lys372Glu (NM_001283010.1); c.1783A>G, p.Lys595Glu (NM_016434.4); c.1855A>G, p.Lys619Glu (NM_032957.5); short protein forms K372E, K595E, K619E.
Identifiers: ClinVar variation 1692612 (VCV001692612.5), dbSNP rs914471851, ClinGen allele CA317511483.